The following is an entry in ClinVar:

ClinVar aggregate classification (germline): Uncertain significance (1 of 4 stars; one submission).

gnomAD v4.1: 1 of 1,604,248 alleles (0.000062%); highest among the groups gnomAD compares: South Asian, 0.0011%; no homozygotes.

Submission:

GeneDx
Classification: Uncertain significance. Last evaluated: 2022-02-16. Review status: criteria provided, single submitter. Criteria: GeneDx Variant Classification Process June 2021. Collection method: clinical testing. Allele origin: germline. Affected: yes.
Comment: Not observed at significant frequency in large population cohorts (gnomAD); In silico analysis supports that this missense variant has a deleterious effect on protein structure/function; Has not been previously published as pathogenic or benign to our knowledge

NM_001854.4(COL11A1):c.1426C>A (p.Arg476Ser)

Gene: COL11A1 (collagen type XI alpha 1 chain; minus strand). Cytogenetic location: 1p21.1.
Variant type: single nucleotide variant.
Coding change: c.1426C>A on transcript NM_001854.4 (MANE Select); coding-DNA position 1426, C replaced by A.
Protein change: p.Arg476Ser; replaces arginine 476 with serine.
Molecular consequence: missense variant. On other transcripts: non-coding transcript variant (1).
Genome position (GRCh38, 1-based): chr1:103,015,730, G>T on the plus strand (C>A on the coding strand, the complement: COL11A1 is on the minus strand). VCF-style: chr1-103015730-G-T. GRCh37 (hg19) VCF-style: chr1-103481286-G-T.
Other names: c.1309C>A, p.Arg437Ser (NM_001190709.2); c.1462C>A, p.Arg488Ser (NM_080629.3); c.1078C>A, p.Arg360Ser (NM_080630.4); short protein forms R360S, R437S, R476S, R488S.
Identifiers: ClinVar variation 1702692 (VCV001702692.2), dbSNP rs756352775, ClinGen allele CA341179570.